The following is an entry in ClinVar:

ClinVar aggregate classification (germline): Uncertain significance. Review status: criteria provided, multiple submitters, no conflicts (2 of 4 stars). 2 submissions from 2 submitters: Uncertain significance (2). Last evaluated 2025-08-03.

Conditions:
Inborn genetic diseases. Identifiers: MedGen C0950123, MeSH D030342.

gnomAD v4.1: 115 of 1,613,952 alleles (0.0071%); highest among the groups gnomAD compares: Non-Finnish European, 0.009%; no homozygotes.

Submissions (2):

Ambry Genetics
Classification: Uncertain significance for Inborn genetic diseases. Last evaluated: 2025-08-03. Review status: criteria provided, single submitter. Criteria: Ambry Variant Classification Scheme 2023. Collection method: clinical testing. Allele origin: germline.

Labcorp Genetics (formerly Invitae), Labcorp
Classification: Uncertain significance. Last evaluated: 2024-09-11. Review status: criteria provided, single submitter. Criteria: Invitae Variant Classification Sherloc (09022015). Collection method: clinical testing. Allele origin: germline.
Comment: This sequence change replaces serine, which is neutral and polar, with threonine, which is neutral and polar, at codon 344 of the DONSON protein (p.Ser344Thr). This variant is present in population databases (rs146461848, gnomAD 0.009%). This variant has not been reported in the literature in individuals affected with DONSON-related conditions. ClinVar contains an entry for this variant (Variation ID: 1373807). Invitae Evidence Modeling of protein sequence and biophysical properties (such as structural, functional, and spatial information, amino acid conservation, physicochemical variation, residue mobility, and thermodynamic stability) indicates that this missense variant is not expected to disrupt DONSON protein function with a negative predictive value of 80%. In summary, the available evidence is currently insufficient to determine the role of this variant in disease. Therefore, it has been classified as a Variant of Uncertain Significance.

NM_017613.4(DONSON):c.1031G>C (p.Ser344Thr)

Gene: DONSON (DNA replication fork stabilization factor DONSON; minus strand). Cytogenetic location: 21q22.11.
Variant type: single nucleotide variant.
Coding change: c.1031G>C on transcript NM_017613.4 (MANE Select); coding-DNA position 1031, G replaced by C.
Protein change: p.Ser344Thr; replaces serine 344 with threonine.
Molecular consequence: missense variant.
Genome position (GRCh38, 1-based): chr21:33,582,180, C>G on the plus strand (G>C on the coding strand, the complement: DONSON is on the minus strand). VCF-style: chr21-33582180-C-G. GRCh37 (hg19) VCF-style: chr21-34954486-C-G.
Other names: c.1031G>C (NM_017613.2); short protein forms S344T.
Identifiers: ClinVar variation 1373807 (VCV001373807.5), dbSNP rs146461848, ClinGen allele CA10010440.